The following is an entry in ClinVar:

NM_206933.4(USH2A):c.1216A>G (p.Ser406Gly)

Gene: USH2A (usherin; minus strand). Cytogenetic location: 1q41.
Variant type: single nucleotide variant.
Coding change: c.1216A>G on transcript NM_206933.4 (MANE Select); coding-DNA position 1216, A replaced by G.
Protein change: p.Ser406Gly; replaces serine 406 with glycine.
Molecular consequence: missense variant.
Genome position (GRCh38, 1-based): chr1:216,324,280, T>C on the plus strand (A>G on the coding strand, the complement: USH2A is on the minus strand). VCF-style: chr1-216324280-T-C. GRCh37 (hg19) VCF-style: chr1-216497622-T-C.
Other names: c.1216A>G, p.Ser406Gly (NM_007123.6); short protein forms S406G.
Identifiers: ClinVar variation 2107625 (VCV002107625.4), dbSNP rs2527436390, ClinGen allele CA344911814.

ClinVar aggregate classification (germline): Uncertain significance (1 of 4 stars; one submission).

Submission:

Labcorp Genetics (formerly Invitae), Labcorp
Classification: Uncertain significance. Last evaluated: 2022-04-18. Review status: criteria provided, single submitter. Criteria: Invitae Variant Classification Sherloc (09022015). Collection method: clinical testing. Allele origin: germline.
Comment: This variant is not present in population databases (gnomAD no frequency). This sequence change replaces serine, which is neutral and polar, with glycine, which is neutral and non-polar, at codon 406 of the USH2A protein (p.Ser406Gly). This variant has not been reported in the literature in individuals affected with USH2A-related conditions. In summary, the available evidence is currently insufficient to determine the role of this variant in disease. Therefore, it has been classified as a Variant of Uncertain Significance. Algorithms developed to predict the effect of missense changes on protein structure and function output the following: SIFT: "Tolerated"; PolyPhen-2: "Benign"; Align-GVGD: "Class C0". The glycine amino acid residue is found in multiple mammalian species, which suggests that this missense change does not adversely affect protein function.